The following is an entry in ClinVar:

ClinVar aggregate classification (germline): Likely benign. Review status: criteria provided, multiple submitters, no conflicts (2 of 4 stars). 2 submissions from 2 submitters: Likely benign (2). Last evaluated 2025-09-01.

gnomAD v4.1: 2,134 of 1,608,310 alleles (0.13%); highest among the groups gnomAD compares: Middle Eastern, 0.2%; 4 homozygotes.

Submissions (2):

CeGaT Center for Human Genetics Tuebingen
Classification: Likely benign. Last evaluated: 2025-09-01. Review status: criteria provided, single submitter. Criteria: CeGaT Center For Human Genetics Tuebingen Variant Classification Criteria Version 2. Collection method: clinical testing. Allele origin: germline. Affected: yes. Observed: 1 variant allele.
Comment: BICRA: BP4, BP7

Blueprint Genetics
Classification: Likely benign. Last evaluated: 2024-11-26. Review status: criteria provided, single submitter. Criteria: ACMG Guidelines, 2015. Collection method: clinical testing. Allele origin: germline.

NM_001394372.1(BICRA):c.1428C>T (p.Gly476=)

Gene: BICRA (BRD4 interacting chromatin remodeling complex associated protein; plus strand). Cytogenetic location: 19q13.33.
Variant type: single nucleotide variant.
Coding change: c.1428C>T on transcript NM_001394372.1 (MANE Select); coding-DNA position 1428, C replaced by T.
Protein change: p.Gly476=; no amino-acid change (glycine 476 retained).
Molecular consequence: synonymous variant.
Genome position (GRCh38, 1-based): chr19:47,680,598, C>T. VCF-style: chr19-47680598-C-T. GRCh37 (hg19) VCF-style: chr19-48183855-C-T.
Other names: c.1428C>T, p.Gly476= (NM_015711.3).
Identifiers: ClinVar variation 4280824 (VCV004280824.8).